The following is an entry in ClinVar:

ClinVar aggregate classification (germline): Uncertain significance. Review status: criteria provided, multiple submitters, no conflicts (2 of 4 stars). 2 submissions from 2 submitters: Uncertain significance (2). Last evaluated 2023-10-30.

Conditions:
Inborn genetic diseases. Identifiers: MedGen C0950123, MeSH D030342.

Allele frequency attached by ClinVar (database versions not stated): TOPMed 0.00001; gnomAD 0.00002; gnomAD exomes 0.00002.
gnomAD v4.1: 25 of 1,611,628 alleles (0.0016%); highest among the groups gnomAD compares: Non-Finnish European, 0.0021%; no homozygotes.

Submissions (2):

Ambry Genetics
Classification: Uncertain significance for Inborn genetic diseases. Last evaluated: 2023-10-30. Review status: criteria provided, single submitter. Criteria: Ambry Variant Classification Scheme 2023. Collection method: clinical testing. Allele origin: germline.

Labcorp Genetics (formerly Invitae), Labcorp
Classification: Uncertain significance. Last evaluated: 2021-08-28. Review status: criteria provided, single submitter. Criteria: Invitae Variant Classification Sherloc (09022015). Collection method: clinical testing. Allele origin: germline.
Comment: This sequence change replaces valine with methionine at codon 919 of the PLK4 protein (p.Val919Met). The valine residue is highly conserved and there is a small physicochemical difference between valine and methionine. This variant is not present in population databases (ExAC no frequency). This variant has not been reported in the literature in individuals affected with PLK4-related conditions. Algorithms developed to predict the effect of missense changes on protein structure and function are either unavailable or do not agree on the potential impact of this missense change (SIFT: "Deleterious"; PolyPhen-2: "Probably Damaging"; Align-GVGD: "Class C0"). In summary, the available evidence is currently insufficient to determine the role of this variant in disease. Therefore, it has been classified as a Variant of Uncertain Significance.

NM_014264.5(PLK4):c.2755G>A (p.Val919Met)

Gene: PLK4 (polo like kinase 4; plus strand). Cytogenetic location: 4q28.1.
Variant type: single nucleotide variant.
Coding change: c.2755G>A on transcript NM_014264.5 (MANE Select); coding-DNA position 2755, G replaced by A.
Protein change: p.Val919Met; replaces valine 919 with methionine.
Molecular consequence: missense variant.
Genome position (GRCh38, 1-based): chr4:127,896,852, G>A. VCF-style: chr4-127896852-G-A. GRCh37 (hg19) VCF-style: chr4-128818007-G-A.
Other names: c.2659G>A, p.Val887Met (NM_001190799.2); c.2632G>A, p.Val878Met (NM_001190801.2); c.2755G>A (NM_014264.4); short protein forms V878M, V887M, V919M.
Identifiers: ClinVar variation 1461783 (VCV001461783.6), dbSNP rs1200493618, ClinGen allele CA358165420.